The following is an entry in ClinVar:

ClinVar aggregate classification (germline): Likely benign (0 of 4 stars; one submission).

Conditions:
FBN1-related disorder. Also called: FBN1-related disorders.

Allele frequency attached by ClinVar (database versions not stated): gnomAD exomes below 0.00001; TOPMed below 0.00001.

Submission:

PreventionGenetics, part of Exact Sciences
Classification: Likely benign for FBN1-related condition. Last evaluated: 2019-06-06. Review status: no assertion criteria provided. Collection method: clinical testing. Allele origin: germline.
Comment: This variant is classified as likely benign based on ACMG/AMP sequence variant interpretation guidelines (Richards et al. 2015 PMID: 25741868, with internal and published modifications).

NM_000138.5(FBN1):c.3082+4del

Gene: FBN1 (fibrillin 1; minus strand). Cytogenetic location: 15q21.1.
Variant type: Deletion.
Coding change: c.3082+4del on transcript NM_000138.5 (MANE Select); 4 bases into the intron after coding-DNA position 3082, one base deleted (C; older notation c.3082+4delC).
Molecular consequence: intron variant.
Genome position (GRCh38, 1-based): chr15:48,489,847, G deleted on the plus strand (C on the coding strand, the reverse complement: FBN1 is on the minus strand). VCF-style (leftmost placement, unchanged base first): chr15-48489846-TG-T. GRCh37 (hg19) VCF-style: chr15-48782043-TG-T.
Other names: c.3082+4del (NM_001406716.1).
Identifiers: ClinVar variation 3034177 (VCV003034177.2), dbSNP rs578021390, ClinGen allele CA269533348.